The following is an entry in ClinVar:

ClinVar aggregate classification (germline): Likely benign (1 of 4 stars; one submission).

Conditions:
GZF1-related disorder. Also called: GZF1-related condition.

Submission:

PreventionGenetics, part of Exact Sciences
Classification: Likely benign for GZF1-related condition. Last evaluated: 2025-11-02. Review status: criteria provided, single submitter. Criteria: ACMG Guidelines, 2015. Collection method: clinical testing. Allele origin: germline.
Comment: This variant is classified as likely benign based on ACMG/AMP sequence variant interpretation guidelines (Richards et al. 2015 PMID: 25741868, with internal and published modifications).

NM_022482.5(GZF1):c.1761G>A (p.Lys587=)

Gene: GZF1 (GDNF inducible zinc finger protein 1; plus strand). Cytogenetic location: 20p11.21.
Variant type: single nucleotide variant.
Coding change: c.1761G>A on transcript NM_022482.5 (MANE Select); coding-DNA position 1761, G replaced by A.
Protein change: p.Lys587=; no amino-acid change (lysine 587 retained).
Molecular consequence: synonymous variant.
Genome position (GRCh38, 1-based): chr20:23,369,717, G>A. VCF-style: chr20-23369717-G-A. GRCh37 (hg19) VCF-style: chr20-23350354-G-A.
Other names: c.1761G>A, p.Lys587= (NM_001317012.2, NM_001317019.1).
Identifiers: ClinVar variation 4986660 (VCV004986660.1).